The following is an entry in ClinVar:

NM_001267550.2(TTN):c.100911C>G (p.Asp33637Glu)

Genes: TTN-AS1 (TTN antisense RNA 1; plus strand), TTN (titin; minus strand). Cytogenetic location: 2q31.2.
Variant type: single nucleotide variant.
Coding change: c.100911C>G on transcript NM_001267550.2 (MANE Select); coding-DNA position 100911, C replaced by G.
Protein change: p.Asp33637Glu; replaces aspartic acid 33637 with glutamic acid.
Molecular consequence: missense variant.
Genome position (GRCh38, 1-based): chr2:178,535,704, G>C on the plus strand (C>G on the coding strand, the complement: TTN is on the minus strand). VCF-style: chr2-178535704-G-C. GRCh37 (hg19) VCF-style: chr2-179400431-G-C.
Other names: c.95988C>G, p.Asp31996Glu (NM_001256850.1); c.73716C>G, p.Asp24572Glu (NM_003319.4); c.93207C>G, p.Asp31069Glu (NM_133378.4); c.74091C>G, p.Asp24697Glu (NM_133432.3); c.74292C>G, p.Asp24764Glu (NM_133437.4); short protein forms D31996E, D33637E, D24572E, D24764E, D31069E, D24697E.
Identifiers: ClinVar variation 4785473 (VCV004785473.1).

ClinVar aggregate classification (germline): Uncertain significance (1 of 4 stars; one submission).

Conditions:
Autosomal recessive limb-girdle muscular dystrophy type 2J (LGMDR10). Also called: Limb-girdle muscular dystrophy, type 2J; MUSCULAR DYSTROPHY, LIMB-GIRDLE, AUTOSOMAL RECESSIVE 10. Identifiers: Orphanet 140922, MedGen C1837342, MONDO:0012127, OMIM 608807.
Dilated cardiomyopathy 1G (CMD1G). Identifiers: Orphanet 154, MedGen C1858763, MONDO:0011400, OMIM 604145.

gnomAD v4.1: 2 of 1,613,758 alleles (0.00012%); highest among the groups gnomAD compares: Non-Finnish European, 0.00017%; no homozygotes.

Submission:

Labcorp Genetics (formerly Invitae), Labcorp
Classification: Uncertain significance for Dilated cardiomyopathy 1G; Autosomal recessive limb-girdle muscular dystrophy type 2J. Last evaluated: 2025-07-03. Review status: criteria provided, single submitter. Criteria: Invitae Variant Classification Sherloc (09022015). Collection method: clinical testing. Allele origin: germline.
Comment: This sequence change replaces aspartic acid, which is acidic and polar, with glutamic acid, which is acidic and polar, at codon 33637 of the TTN protein (p.Asp33637Glu). This variant is not present in population databases (gnomAD no frequency). This variant has not been reported in the literature in individuals affected with TTN-related conditions. Experimental studies and prediction algorithms are not available or were not evaluated, and the functional significance of this variant is currently unknown. This variant is located in the M band of TTN (PMID: 25589632). Non-truncating variants in this region may be relevant for neuromuscular disorders, but have not been definitively shown to cause cardiomyopathy (PMID: 23975875). In summary, the available evidence is currently insufficient to determine the role of this variant in disease. Therefore, it has been classified as a Variant of Uncertain Significance.

Literature cited by the submitters: PubMed 25589632; PubMed 23975875.